The following is an entry in ClinVar:

ClinVar aggregate classification (germline): Benign/Likely benign. Review status: criteria provided, multiple submitters, no conflicts (2 of 4 stars). 2 submissions from 2 submitters: Benign (1); Likely benign (1). Last evaluated 2018-01-12.

Conditions:
Hypophosphatemic nephrolithiasis/osteoporosis 1. Identifiers: Orphanet 244305, MedGen C2676786, MONDO:0012850, OMIM 612286.

Allele frequency attached by ClinVar (database versions not stated): 1000 Genomes Project 0.00060; 1000 Genomes Project 30x 0.00062; gnomAD 0.00096 and 0.00100; TOPMed 0.00128; gnomAD exomes 0.00132.
gnomAD v4.1: 507 of 407,154 alleles (0.12%); highest among the groups gnomAD compares: Middle Eastern, 3.1%; 6 homozygotes.

Submissions (2):

Illumina Laboratory Services, Illumina
Classification: Benign for Hypophosphatemic nephrolithiasis/osteoporosis 1. Last evaluated: 2018-01-12. Review status: criteria provided, single submitter. Criteria: ICSL Variant Classification Criteria 13 December 2019. Collection method: clinical testing. Allele origin: germline.
Comment: This variant was observed in the ICSL laboratory as part of a predisposition screen in an ostensibly healthy population. It had not been previously curated by ICSL or reported in the Human Gene Mutation Database (HGMD: prior to June 1st, 2018), and was therefore a candidate for classification through an automated scoring system. Utilizing variant allele frequency, disease prevalence and penetrance estimates, and inheritance mode, an automated score was calculated to assess if this variant is too frequent to cause the disease. Based on the score and internal cut-off values, a variant classified as benign is not then subjected to further curation. The score for this variant resulted in a classification of benign for this disease.

Breakthrough Genomics
Classification: Likely benign. Review status: criteria provided, single submitter. Criteria: ACMG Guidelines, 2015. Collection method: not provided. Allele origin: germline. Inheritance: Autosomal recessive inheritance. Affected: yes.

NM_003052.5(SLC34A1):c.*361T>C

Gene: SLC34A1 (solute carrier family 34 member 1; plus strand). Cytogenetic location: 5q35.3.
Variant type: single nucleotide variant.
Coding change: c.*361T>C on transcript NM_003052.5 (MANE Select); 361 bases downstream of the stop codon, T replaced by C.
Molecular consequence: 3 prime UTR variant.
Genome position (GRCh38, 1-based): chr5:177,398,647, T>C. VCF-style: chr5-177398647-T-C. GRCh37 (hg19) VCF-style: chr5-176825648-T-C.
Identifiers: ClinVar variation 352983 (VCV000352983.7), dbSNP rs539754545, ClinGen allele CA10624291.